The following is an entry in ClinVar:

NM_001378454.1(ALMS1):c.11477A>G (p.His3826Arg)

Gene: ALMS1 (ALMS1 centrosome and basal body associated protein; plus strand). Cytogenetic location: 2p13.1.
Variant type: single nucleotide variant.
Coding change: c.11477A>G on transcript NM_001378454.1 (MANE Select); coding-DNA position 11477, A replaced by G.
Protein change: p.His3826Arg; replaces histidine 3826 with arginine.
Molecular consequence: missense variant.
Genome position (GRCh38, 1-based): chr2:73,573,354, A>G. VCF-style: chr2-73573354-A-G. GRCh37 (hg19) VCF-style: chr2-73800481-A-G.
Other names: c.11480A>G, p.His3827Arg (NM_015120.4); short protein forms H3827R, H3826R.
Identifiers: ClinVar variation 554038 (VCV000554038.13), dbSNP rs371105298, ClinGen allele CA1715204.

ClinVar aggregate classification (germline): Conflicting classifications of pathogenicity. Review status: criteria provided, conflicting classifications (1 of 4 stars). 5 submissions from 5 submitters: Uncertain significance (2); Likely benign (1). 2 of the submissions do not count toward it. Last evaluated 2025-03-11.

Conditions:
Cardiovascular phenotype. Identifiers: MedGen CN230736.
Alstrom syndrome (ALMS). Identifiers: Orphanet 64, MedGen C0268425, MONDO:0008763, OMIM 203800.

Allele frequency attached by ClinVar (database versions not stated): ExAC 0.00001; gnomAD exomes 0.00003 and 0.00001; ESP Exome Variant Server 0.00008; gnomAD 0.00001; TOPMed 0.00002.
gnomAD v4.1: 41 of 1,613,984 alleles (0.0025%); highest among the groups gnomAD compares: East Asian, 0.0045%; no homozygotes.

Submissions (5):

Ambry Genetics
Classification: Likely benign for Cardiovascular phenotype. Last evaluated: 2025-03-11. Review status: criteria provided, single submitter. Criteria: Ambry Variant Classification Scheme 2023. Collection method: clinical testing. Allele origin: germline.

Labcorp Genetics (formerly Invitae), Labcorp
Classification: Uncertain significance for Alstrom syndrome. Last evaluated: 2022-03-04. Review status: criteria provided, single submitter. Criteria: Invitae Variant Classification Sherloc (09022015). Collection method: clinical testing. Allele origin: germline.
Comment: This sequence change replaces histidine, which is basic and polar, with arginine, which is basic and polar, at codon 3827 of the ALMS1 protein (p.His3827Arg). This variant is present in population databases (rs371105298, gnomAD 0.002%). This variant has not been reported in the literature in individuals affected with ALMS1-related conditions. ClinVar contains an entry for this variant (Variation ID: 554038). Experimental studies and prediction algorithms are not available or were not evaluated, and the functional significance of this variant is currently unknown. In summary, the available evidence is currently insufficient to determine the role of this variant in disease. Therefore, it has been classified as a Variant of Uncertain Significance.

GeneDx
Classification: Uncertain significance. Last evaluated: 2020-02-25. Review status: criteria provided, single submitter. Criteria: GeneDx Variant Classification Process June 2021. Collection method: clinical testing. Allele origin: germline. Affected: yes.
Comment: Not observed at a significant frequency in large population cohorts (Lek et al., 2016); In silico analysis supports that this missense variant does not alter protein structure/function; Has not been previously published as pathogenic or benign to our knowledge

Natera, Inc.
Classification: Uncertain significance for Alstrom syndrome. Last evaluated: 2021-04-28. Review status: no assertion criteria provided. Collection method: clinical testing. Allele origin: germline. Not counted in ClinVar's aggregate classification.

Counsyl
Classification: Uncertain significance for Alstrom syndrome. Last evaluated: 2017-10-07. Review status: no assertion criteria provided. Collection method: clinical testing. Allele origin: unknown. Not counted in ClinVar's aggregate classification.